The following is an entry in ClinVar:

NM_001048174.2(MUTYH):c.265-3C>T

Gene: MUTYH (mutY DNA glycosylase; minus strand). Cytogenetic location: 1p34.1.
Variant type: single nucleotide variant.
Coding change: c.265-3C>T on transcript NM_001048174.2 (MANE Select); 3 bases into the intron before coding-DNA position 265, C replaced by T.
Molecular consequence: intron variant.
Genome position (GRCh38, 1-based): chr1:45,333,327, G>A on the plus strand (C>T on the coding strand, the complement: MUTYH is on the minus strand). VCF-style: chr1-45333327-G-A. GRCh37 (hg19) VCF-style: chr1-45798999-G-A.
Other names: c.-7-3C>T (NM_001350651.2, NM_001350650.2); c.-12-3C>T (NM_001293192.2, NM_001293196.2); c.265-3C>T (NM_001048171.2, NM_001048173.2, NM_001293195.2); c.310-3C>T (NM_001293190.2); c.340-3C>T (NM_012222.3); c.349-3C>T (NM_001128425.2); c.268-3C>T (NM_001048172.2); c.298-3C>T (NM_001293191.2).
Identifiers: ClinVar variation 823840 (VCV000823840.12), dbSNP rs534010336, ClinGen allele CA522810485.

ClinVar aggregate classification (germline): Uncertain significance. Review status: criteria provided, multiple submitters, no conflicts (2 of 4 stars). 3 submissions from 3 submitters: Uncertain significance (3). Last evaluated 2025-02-10.

Conditions:
Familial adenomatous polyposis 2. Also called: FAP type 2; MUTYH Polyposis; COLORECTAL ADENOMATOUS POLYPOSIS, AUTOSOMAL RECESSIVE; ADENOMAS, MULTIPLE COLORECTAL, AUTOSOMAL RECESSIVE; MUTYH-associated polyposis; MUTYH-related attenuated familial adenomatous polyposis. Identifiers: Orphanet 220460, Orphanet 247798, MedGen C3272841, MONDO:0012041, OMIM 608456.
Hereditary cancer-predisposing syndrome. Also called: Tumor predisposition; Hereditary Cancer Syndrome; Hereditary neoplastic syndrome; Neoplastic Syndromes, Hereditary. Identifiers: Orphanet 140162, MedGen C0027672, MeSH D009386, MONDO:0015356.

gnomAD v4.1: 3 of 1,614,258 alleles (0.00019%); highest among the groups gnomAD compares: East Asian, 0.0022%; no homozygotes.

Submissions (3):

Labcorp Genetics (formerly Invitae), Labcorp
Classification: Uncertain significance for Familial adenomatous polyposis 2. Last evaluated: 2025-02-10. Review status: criteria provided, single submitter. Criteria: Invitae Variant Classification Sherloc (09022015). Collection method: clinical testing. Allele origin: germline.
Comment: This sequence change falls in intron 3 of the MUTYH gene. It does not directly change the encoded amino acid sequence of the MUTYH protein. It affects a nucleotide within the consensus splice site. This variant is present in population databases (no rsID available, gnomAD 0.006%). This variant has not been reported in the literature in individuals affected with MUTYH-related conditions. ClinVar contains an entry for this variant (Variation ID: 823840). Variants that disrupt the consensus splice site are a relatively common cause of aberrant splicing (PMID: 17576681, 9536098). Studies have shown that this variant is associated with inconclusive levels of altered splicing (internal data). In summary, the available evidence is currently insufficient to determine the role of this variant in disease. Therefore, it has been classified as a Variant of Uncertain Significance.

Ambry Genetics
Classification: Uncertain significance for Hereditary cancer-predisposing syndrome. Last evaluated: 2022-06-08. Review status: criteria provided, single submitter. Criteria: Ambry Variant Classification Scheme 2023. Collection method: clinical testing. Allele origin: germline.
Comment: The c.349-3C>T intronic variant results from a C to T substitution 3 nucleotides upstream from coding exon 4 in the MUTYH gene. This nucleotide position is well conserved in available vertebrate species. In silico splice site analysis predicts that this alteration will not have any significant effect on splicing. Since supporting evidence is limited at this time, the clinical significance of this alteration remains unclear.

GeneDx
Classification: Uncertain significance. Last evaluated: 2020-12-17. Review status: criteria provided, single submitter. Criteria: GeneDx Variant Classification Process June 2021. Collection method: clinical testing. Allele origin: germline. Affected: yes.
Comment: Not observed at a significant frequency in large population cohorts (Lek 2016); Has not been previously published as pathogenic or benign to our knowledge; In silico analysis, which includes splice predictors and evolutionary conservation, suggests this variant may impact gene splicing. In the absence of RNA/functional studies, the actual effect of this sequence change is unknown.

Literature cited by the submitters: PubMed 17576681 (cited by Labcorp Genetics (formerly Invitae), Labcorp); PubMed 9536098 (cited by Labcorp Genetics (formerly Invitae), Labcorp).